The following is an entry in ClinVar:

NM_000492.4(CFTR):c.3728T>G (p.Leu1243Trp)

Genes: CFTR (CF transmembrane conductance regulator; plus strand), CFTR-AS2 (CFTR antisense RNA 2; minus strand). Cytogenetic location: 7q31.2.
Variant type: single nucleotide variant.
Coding change: c.3728T>G on transcript NM_000492.4 (MANE Select); coding-DNA position 3728, T replaced by G.
Protein change: p.Leu1243Trp; replaces leucine 1243 with tryptophan.
Molecular consequence: missense variant.
Genome position (GRCh38, 1-based): chr7:117,642,448, T>G. VCF-style: chr7-117642448-T-G. GRCh37 (hg19) VCF-style: chr7-117282502-T-G.
Other names: short protein forms L1243W.
Identifiers: ClinVar variation 1734348 (VCV001734348.3), dbSNP rs1562923164, ClinGen allele CA368974448.

ClinVar aggregate classification (germline): Uncertain significance (1 of 4 stars; one submission).

Conditions:
Cystic fibrosis (CF). Also called: MUCOVISCIDOSIS. Identifiers: Orphanet 586, MedGen C0010674, MONDO:0009061, OMIM 219700. Disease mechanism: loss of function.

gnomAD v4.1: 1 of 1,613,562 alleles (0.000062%); no homozygotes.

Submission:

Ambry Genetics
Classification: Uncertain significance for Cystic fibrosis. Last evaluated: 2025-11-15. Review status: criteria provided, single submitter. Criteria: Ambry Variant Classification Scheme 2023. Collection method: clinical testing. Allele origin: germline.
Comment: The p.L1243W variant (also known as c.3728T>G), located in coding exon 23 of the CFTR gene, results from a T to G substitution at nucleotide position 3728. The leucine at codon 1243 is replaced by tryptophan, an amino acid with similar properties. This amino acid position is conserved. In addition, this alteration is predicted to be deleterious by in silico analysis. Since supporting evidence is limited at this time, the clinical significance of this alteration remains unclear.